The following is an entry in ClinVar:

ClinVar aggregate classification (germline): Benign/Likely benign. Review status: criteria provided, multiple submitters, no conflicts (2 of 4 stars). 3 submissions from 3 submitters: Benign (1); Likely benign (2). Last evaluated 2026-01-26.

Conditions:
Familial infantile myasthenia (CMS6). Also called: MYASTHENIC SYNDROME, CONGENITAL, 6, PRESYNAPTIC; MYASTHENIC SYNDROME, PRESYNAPTIC, CONGENITAL, ASSOCIATED WITH EPISODIC APNEA; Congenital myasthenic syndrome type 6. Identifiers: Orphanet 590, MedGen C0393929, MONDO:0009689, OMIM 254210.

Allele frequency attached by ClinVar (database versions not stated): gnomAD exomes 0.00018 and 0.00043; ExAC 0.00062; 1000 Genomes Project 0.00140; 1000 Genomes Project 30x 0.00172; gnomAD 0.00174 and 0.00191; ESP Exome Variant Server 0.00200; TOPMed 0.00210.
gnomAD v4.1: 556 of 1,611,986 alleles (0.034%); highest among the groups gnomAD compares: African/African-American, 0.59%; 2 homozygotes.

Submissions (3):

Labcorp Genetics (formerly Invitae), Labcorp
Classification: Benign for Familial infantile myasthenia. Last evaluated: 2026-01-26. Review status: criteria provided, single submitter. Criteria: Invitae Variant Classification Sherloc (09022015). Collection method: clinical testing. Allele origin: germline.

Mayo Clinic Laboratories, Mayo Clinic
Classification: Likely benign. Last evaluated: 2025-05-16. Review status: criteria provided, single submitter. Criteria: ACMG Guidelines, 2015. Collection method: clinical testing. Allele origin: germline. Observed: 2 variant alleles.
Comment: BS1, BP4, BP7

Blueprint Genetics
Classification: Likely benign. Last evaluated: 2024-10-22. Review status: criteria provided, single submitter. Criteria: ACMG Guidelines, 2015. Collection method: clinical testing. Allele origin: germline.

NM_020549.5(CHAT):c.1111+8G>A

Gene: CHAT (choline O-acetyltransferase; plus strand). Cytogenetic location: 10q11.23.
Variant type: single nucleotide variant.
Coding change: c.1111+8G>A on transcript NM_020549.5 (MANE Select); 8 bases into the intron after coding-DNA position 1111, G replaced by A.
Molecular consequence: intron variant.
Genome position (GRCh38, 1-based): chr10:49,627,793, G>A. VCF-style: chr10-49627793-G-A. GRCh37 (hg19) VCF-style: chr10-50835839-G-A.
Other names: p.?; c.757+8G>A (NM_020984.4, NM_020985.4, NM_020986.4 and 2 more transcripts); c.865+8G>A (NM_001142933.2).
Identifiers: ClinVar variation 530664 (VCV000530664.14), dbSNP rs142454032, ClinGen allele CA5497363.